The following is an entry in ClinVar:

ClinVar aggregate classification (germline): Uncertain significance (1 of 4 stars; one submission).

gnomAD v4.1: 2 of 1,614,040 alleles (0.00012%); highest among the groups gnomAD compares: East Asian, 0.0022%; no homozygotes.

Submission:

Ambry Genetics
Classification: Uncertain significance. Last evaluated: 2024-03-21. Review status: criteria provided, single submitter. Criteria: Ambry Variant Classification Scheme 2023. Collection method: clinical testing. Allele origin: germline.
Comment: The p.T20N variant (also known as c.59C>A), located in coding exon 1 of the KIF1B gene, results from a C to A substitution at nucleotide position 59. The threonine at codon 20 is replaced by asparagine, an amino acid with similar properties. This amino acid position is conserved. In addition, this alteration is predicted to be tolerated by in silico analysis. Based on the available evidence, the clinical significance of this alteration remains unclear.

NM_001365951.3(KIF1B):c.59C>A (p.Thr20Asn)

Genes: KIF1B (kinesin family member 1B; plus strand), LOC129388446 (MPRA-validated peak64 silencer; plus strand). Cytogenetic location: 1p36.22.
Variant type: single nucleotide variant.
Coding change: c.59C>A on transcript NM_001365951.3 (MANE Select); coding-DNA position 59, C replaced by A.
Protein change: p.Thr20Asn; replaces threonine 20 with asparagine.
Molecular consequence: missense variant.
Genome position (GRCh38, 1-based): chr1:10,232,387, C>A. VCF-style: chr1-10232387-C-A. GRCh37 (hg19) VCF-style: chr1-10292445-C-A.
Other names: c.59C>A, p.Thr20Asn (NM_001365952.1, NM_001365953.1, NM_015074.3 and 1 more transcripts); short protein forms T20N.
Identifiers: ClinVar variation 3288400 (VCV003288400.1).